The following is an entry in ClinVar:

NM_001278064.2(GRM1):c.951-3dup

Gene: GRM1 (glutamate metabotropic receptor 1; plus strand). Cytogenetic location: 6q24.3.
Variant type: Duplication.
Coding change: c.951-3dup on transcript NM_001278064.2 (MANE Select); 3 bases into the intron before coding-DNA position 951, one base duplicated (T; older notation c.951-3dupT).
Molecular consequence: intron variant.
Genome position (GRCh38, 1-based): chr6:146,304,608, T duplicated; the last of 6 consecutive T bases (chr6:146,304,603-146,304,608); duplicating any one gives the same sequence. VCF-style (leftmost placement, unchanged base first): chr6-146304602-A-AT. GRCh37 (hg19) VCF-style: chr6-146625738-A-AT.
Other names: c.951-3dup (NM_001278065.2, NM_001278066.1, NM_001278067.1); c.951-3dupT (NM_001278064.1).
Identifiers: ClinVar variation 3779712 (VCV003779712.2).

ClinVar aggregate classification (germline): Conflicting classifications of pathogenicity. Review status: criteria provided, conflicting classifications (1 of 4 stars). 2 submissions from 2 submitters: Uncertain significance (1); Likely benign (1). Last evaluated 2025-04-03.

Conditions:
GRM1-related disorder. Also called: GRM1-related condition.
Autosomal recessive spinocerebellar ataxia 13. Identifiers: Orphanet 324262, MedGen C3553816, MONDO:0013905, OMIM 614831.
Spinocerebellar ataxia 44. Identifiers: Orphanet 631095, MedGen C4521563, MONDO:0033479, OMIM 617691.

Submissions (2):

PreventionGenetics, part of Exact Sciences
Classification: Likely benign for GRM1-related condition. Last evaluated: 2025-04-03. Review status: criteria provided, single submitter. Criteria: ACMG Guidelines, 2015. Collection method: clinical testing. Allele origin: germline.
Comment: This variant is classified as likely benign based on ACMG/AMP sequence variant interpretation guidelines (Richards et al. 2015 PMID: 25741868, with internal and published modifications).

Department of Pathology and Laboratory Medicine, Sinai Health System
Classification: Uncertain significance for Autosomal recessive spinocerebellar ataxia 13; Spinocerebellar ataxia 44. Last evaluated: 2022-06-27. Review status: criteria provided, single submitter. Criteria: ACMG Guidelines, 2015. Collection method: research. Allele origin: germline.